The following is an entry in ClinVar:

NM_001197104.2(KMT2A):c.3005C>A (p.Ser1002Tyr)

Gene: KMT2A (lysine methyltransferase 2A; plus strand). Cytogenetic location: 11q23.3.
Variant type: single nucleotide variant.
Coding change: c.3005C>A on transcript NM_001197104.2 (MANE Select); coding-DNA position 3005, C replaced by A.
Protein change: p.Ser1002Tyr; replaces serine 1002 with tyrosine.
Molecular consequence: missense variant.
Genome position (GRCh38, 1-based): chr11:118,474,164, C>A. VCF-style: chr11-118474164-C-A. GRCh37 (hg19) VCF-style: chr11-118344879-C-A.
Other names: c.3005C>A, p.Ser1002Tyr (NM_005933.4); short protein forms S1002Y.
Identifiers: ClinVar variation 1314848 (VCV001314848.2), dbSNP rs2134273003, ClinGen allele CA382819371.

ClinVar aggregate classification (germline): Uncertain significance (1 of 4 stars; one submission).

Submission:

GeneDx
Classification: Uncertain significance. Last evaluated: 2021-04-21. Review status: criteria provided, single submitter. Criteria: GeneDx Variant Classification Process June 2021. Collection method: clinical testing. Allele origin: germline. Affected: yes.
Comment: Not observed in large population cohorts (Lek et al., 2016); In silico analysis supports that this missense variant does not alter protein structure/function; Has not been previously published as pathogenic or benign to our knowledge